The following is an entry in ClinVar:

ClinVar aggregate classification (germline): Conflicting classifications of pathogenicity. Review status: criteria provided, conflicting classifications (1 of 4 stars). 2 submissions from 2 submitters: Likely pathogenic (1); Uncertain significance (1). Last evaluated 2022-10-27.

Conditions:
COL6A2-related disorder.
Bethlem myopathy 1A. Also called: Bethlem myopathy 1; MYOPATHY, BENIGN CONGENITAL, WITH CONTRACTURES; Bethlem Muscular Dystrophy. Identifiers: Orphanet 610, MedGen CN029274, MONDO:0024530, OMIM 158810.

Submissions (2):

PreventionGenetics, part of Exact Sciences
Classification: Likely pathogenic for COL6A2-related condition. Last evaluated: 2022-10-27. Review status: criteria provided, single submitter. Criteria: ACMG Guidelines, 2015. Collection method: clinical testing. Allele origin: germline.
Comment: The COL6A2 c.1064G>T variant is predicted to result in the amino acid substitution p.Gly355Val. To our knowledge, this variant has not been reported in the literature or in a large population database, indicating this variant is rare. This variant affects a Gly residue of the conserved triple helical domain, where substitutions of the glycine are usually pathogenic (Butterfield et al. 2013. PubMed ID: 24038877). A different missense variant affecting the same residue (Gly355Cys) has been reported in an individual with a COL6A2-related phenotype (Nallamilli. 2018. PubMed ID: 30564623, supp table 1). Taken together, we interpret this variant to be likely pathogenic.

Labcorp Genetics (formerly Invitae), Labcorp
Classification: Uncertain significance for Bethlem myopathy 1A. Last evaluated: 2022-05-11. Review status: criteria provided, single submitter. Criteria: Invitae Variant Classification Sherloc (09022015). Collection method: clinical testing. Allele origin: germline.
Comment: In summary, the available evidence is currently insufficient to determine the role of this variant in disease. Therefore, it has been classified as a Variant of Uncertain Significance. Advanced modeling of protein sequence and biophysical properties (such as structural, functional, and spatial information, amino acid conservation, physicochemical variation, residue mobility, and thermodynamic stability) performed at Invitae indicates that this missense variant is expected to disrupt COL6A2 protein function. This variant has not been reported in the literature in individuals affected with COL6A2-related conditions. This variant is not present in population databases (gnomAD no frequency). This sequence change replaces glycine, which is neutral and non-polar, with valine, which is neutral and non-polar, at codon 355 of the COL6A2 protein (p.Gly355Val). This variant disrupts the triple helix domain of COL6A2. Glycine residues within the Gly-Xaa-Yaa repeats of the triple helix domain are required for the structure and stability of fibrillar collagens (PMID: 7695699, 8218237, 19344236). In COL6A2, missense variants at these glycine residues are significantly enriched in individuals with autosomal dominant disease (PMID: 15689448, 24038877) compared to the general population (ExAC).

Literature cited by the submitters: PubMed 7695699 (cited by Labcorp Genetics (formerly Invitae), Labcorp); PubMed 8218237 (cited by Labcorp Genetics (formerly Invitae), Labcorp); PubMed 19344236 (cited by Labcorp Genetics (formerly Invitae), Labcorp); PubMed 15689448 (cited by Labcorp Genetics (formerly Invitae), Labcorp); PubMed 24038877 (cited by Labcorp Genetics (formerly Invitae), Labcorp).

NM_001849.4(COL6A2):c.1064G>T (p.Gly355Val)

Gene: COL6A2 (collagen type VI alpha 2 chain; plus strand). Cytogenetic location: 21q22.3.
Variant type: single nucleotide variant.
Coding change: c.1064G>T on transcript NM_001849.4 (MANE Select); coding-DNA position 1064, G replaced by T.
Protein change: p.Gly355Val; replaces glycine 355 with valine.
Molecular consequence: missense variant.
Genome position (GRCh38, 1-based): chr21:46,117,884, G>T. VCF-style: chr21-46117884-G-T. GRCh37 (hg19) VCF-style: chr21-47537798-G-T.
Other names: c.1064G>T, p.Gly355Val (NM_058174.3, NM_058175.3); short protein forms G355V.
Identifiers: ClinVar variation 1993127 (VCV001993127.5), dbSNP rs2516999821, ClinGen allele CA410527474.